The following is an entry in ClinVar:

ClinVar aggregate classification (germline): Likely benign (1 of 4 stars; one submission).

Conditions:
Retinitis pigmentosa (RP). Identifiers: Orphanet 791, MedGen C0035334, MeSH D012174, MONDO:0019200, OMIM 268000. Inheritance: Autosomal dominant, autosomal recessive and X linked inheritance.

Allele frequency attached by ClinVar (database versions not stated): gnomAD 0.00932 and 0.00990; 1000 Genomes Project 0.01038; 1000 Genomes Project 30x 0.01062; TOPMed 0.01076.

Submission:

Illumina Laboratory Services, Illumina
Classification: Likely benign for Retinitis pigmentosa. Last evaluated: 2018-01-13. Review status: criteria provided, single submitter. Criteria: ICSL Variant Classification Criteria 13 December 2019. Collection method: clinical testing. Allele origin: germline.
Comment: This variant was observed in the ICSL laboratory as part of a predisposition screen in an ostensibly healthy population. It had not been previously curated by ICSL or reported in the Human Gene Mutation Database (HGMD: prior to June 1st, 2018), and was therefore a candidate for classification through an automated scoring system. Utilizing variant allele frequency, disease prevalence and penetrance estimates, and inheritance mode, an automated score was calculated to assess if this variant is too frequent to cause the disease. Based on the score and internal cut-off values, a variant classified as likely benign is not then subjected to further curation. The score for this variant resulted in a classification of likely benign for this disease.

NM_001029883.3(PCARE):c.*686A>T

Gene: PCARE (photoreceptor cilium actin regulator; minus strand). Cytogenetic location: 2p23.2.
Variant type: single nucleotide variant.
Coding change: c.*686A>T on transcript NM_001029883.3 (MANE Select); 686 bases downstream of the stop codon, A replaced by T.
Molecular consequence: 3 prime UTR variant.
Genome position (GRCh38, 1-based): chr2:29,064,183, T>A on the plus strand (A>T on the coding strand, the complement: PCARE is on the minus strand). VCF-style: chr2-29064183-T-A. GRCh37 (hg19) VCF-style: chr2-29287049-T-A.
Identifiers: ClinVar variation 335622 (VCV000335622.5), dbSNP rs116550481, ClinGen allele CA10613590.
Genomic context (GRCh38, chr2:29,064,183, plus strand): 5'-GAGGACAGAGGACGGGTGGGGCTGTGTGTTTTAATCCTGGCTCACTCAGCCTTCTCATTT[T>A]GGGAGCCATGCACTTCTAAACAAAGCTCTCAATAGGGACTTTGTCAATGCTGTGCCGCTA-3'